The following is an entry in ClinVar:

NM_198271.5(LMOD3):c.510C>G (p.Asn170Lys)

Gene: LMOD3 (leiomodin 3; minus strand). Cytogenetic location: 3p14.1.
Variant type: single nucleotide variant.
Coding change: c.510C>G on transcript NM_198271.5 (MANE Select); coding-DNA position 510, C replaced by G.
Protein change: p.Asn170Lys; replaces asparagine 170 with lysine.
Molecular consequence: missense variant.
Genome position (GRCh38, 1-based): chr3:69,119,845, G>C on the plus strand (C>G on the coding strand, the complement: LMOD3 is on the minus strand). VCF-style: chr3-69119845-G-C. GRCh37 (hg19) VCF-style: chr3-69168996-G-C.
Other names: c.510C>G, p.Asn170Lys (NM_001304418.3); short protein forms N170K.
Identifiers: ClinVar variation 1014066 (VCV001014066.2), dbSNP rs1280888308, ClinGen allele CA353476232.
Genomic context (GRCh38, chr3:69,119,845, plus strand): 5'-CTGCTGGCAGTTGTTCTCACAATTTCTAATTTGTTCCTTTGCTTTGCCTTCCTCTTCTCT[G>C]TTCGTTTCTTCACTCTCTTCACCATCATCTTCTCCTTCGTCGTCATCATCATCATCTTCT-3'
Protein context (NP_938012.2, residues 160-180): EDDGEESEET[Asn170Lys]REEEGKAKEQ

ClinVar aggregate classification (germline): Uncertain significance (1 of 4 stars; one submission).

Conditions:
Nemaline myopathy 10 (NEM10). Identifiers: MedGen C4015360, MONDO:0014513, OMIM 616165.

Allele frequency attached by ClinVar (database versions not stated): gnomAD exomes below 0.00001 and 0.00001.

Submission:

Labcorp Genetics (formerly Invitae), Labcorp
Classification: Uncertain significance for Nemaline myopathy 10. Last evaluated: 2022-08-20. Review status: criteria provided, single submitter. Criteria: Invitae Variant Classification Sherloc (09022015). Collection method: clinical testing. Allele origin: germline.
Comment: This sequence change replaces asparagine, which is neutral and polar, with lysine, which is basic and polar, at codon 170 of the LMOD3 protein (p.Asn170Lys). This variant is present in population databases (no rsID available, gnomAD 0.004%). This variant has not been reported in the literature in individuals affected with LMOD3-related conditions. ClinVar contains an entry for this variant (Variation ID: 1014066). Algorithms developed to predict the effect of missense changes on protein structure and function output the following: SIFT: "Tolerated"; PolyPhen-2: "Benign"; Align-GVGD: "Class C0". The lysine amino acid residue is found in multiple mammalian species, which suggests that this missense change does not adversely affect protein function. In summary, the available evidence is currently insufficient to determine the role of this variant in disease. Therefore, it has been classified as a Variant of Uncertain Significance.